The following is an entry in ClinVar:

ClinVar aggregate classification (germline): Pathogenic (3 of 4 stars; one submission).

Conditions:
Glycogen storage disease, type II (IOPD). Also called: Pompe Disease; CARDIOMEGALIA GLYCOGENICA DIFFUSA; POMPE DISEASE, INFANTILE-ONSET; GLYCOGEN STORAGE DISEASE II, INFANTILE-ONSET; ACID ALPHA-GLUCOSIDASE DEFICIENCY, INFANTILE-ONSET; GAA DEFICIENCY, INFANTILE-ONSET. Identifiers: Orphanet 365, MedGen C0017921, MONDO:0009290, OMIM 232300.

Submission:

ClinGen Lysosomal Storage Disorder Variant Curation Expert Panel
Classification: Pathogenic for Glycogen storage disease, type II. Last evaluated: 2020-04-20. Review status: reviewed by expert panel. Criteria: ClinGen LSD ACMG Specifications v1. Collection method: curation. Allele origin: germline. Inheritance: Autosomal recessive inheritance.
Comment: This variant, c.2161del (p.Glu721ArgfsTer?), is a frameshift variant predicted to result in a premature termination codon, nonsense mediated decay, and lack of gene product. Therefore, PVS1 can be applied. The variant is absent in gnomAD v2.1.1, meeting PM2. This variant was identified by a clinical diagnostic laboratory in a compound heterozygous individual with c.841C>T (p.Arg281Trp). Pseudodeficiency variants are absent in this individual, allowing PP4_Moderate to be applied. The in trans data from this patient was used in the classification of p.Arg281Trp and is not included here in order to avoid a circular argument. An additional case has been reported with p.Glu721ArgfsTer (cDNA sequence not provided), identified by newborn screening and compound heterozygous for p.Trp746Leu and the psuedodeficiency variant p.Asp91Asn (PMIDs 28196920, 29095812). There is no ClinVar entry for this variant and, to our knowledge, functional studies are unavailable. In summary, this variant meets the criteria to be classified as pathogenic for Pompe disease. ACMG/AMP criteria applied, as specified by the ClinGen LSD VCEP: PVS1, PM2, PP4_Moderate.

NM_000152.5(GAA):c.2161del (p.Glu721fs)

Gene: GAA (alpha glucosidase; plus strand). Cytogenetic location: 17q25.3.
Variant type: Deletion.
Coding change: c.2161del on transcript NM_000152.5 (MANE Select); coding-DNA position 2161, one base deleted (G; older notation c.2161delG).
Protein change: p.Glu721fs; shifts the reading frame from glutamic acid 721.
Molecular consequence: frameshift variant.
Genome position (GRCh38, 1-based): chr17:80,113,338, G deleted; the last of 5 consecutive G bases (chr17:80,113,334-80,113,338); deleting any one gives the same sequence. VCF-style (leftmost placement, unchanged base first): chr17-80113333-CG-C. GRCh37 (hg19) VCF-style: chr17-78087132-CG-C.
Other names: c.2161del, p.Glu721fs (NM_001079803.3, NM_001079804.3); short protein forms E721fs.
Identifiers: ClinVar variation 932900 (VCV000932900.4), dbSNP rs1555601802, ClinGen allele CA913187393.